The following is an entry in ClinVar:

NM_006206.6(PDGFRA):c.1632C>G (p.Val544=)

Gene: PDGFRA (platelet derived growth factor receptor alpha; plus strand). Cytogenetic location: 4q12.
Variant type: single nucleotide variant.
Coding change: c.1632C>G on transcript NM_006206.6 (MANE Select); coding-DNA position 1632, C replaced by G.
Protein change: p.Val544=; no amino-acid change (valine 544 retained).
Molecular consequence: synonymous variant.
Genome position (GRCh38, 1-based): chr4:54,274,604, C>G. VCF-style: chr4-54274604-C-G. GRCh37 (hg19) VCF-style: chr4-55140771-C-G.
Other names: c.1632C>G, p.Val544= (NM_001347827.2, NM_001347829.2); c.1707C>G, p.Val569= (NM_001347828.2); c.1671C>G, p.Val557= (NM_001347830.2); c.1632C>G (NM_006206.4).
Identifiers: ClinVar variation 1558838 (VCV001558838.10), dbSNP rs748519030, ClinGen allele CA439287156.

ClinVar aggregate classification (germline): Benign/Likely benign. Review status: criteria provided, multiple submitters, no conflicts (2 of 4 stars). 3 submissions from 3 submitters: Benign (1); Likely benign (2). Last evaluated 2026-06-17.

Conditions:
Polyps, multiple and recurrent inflammatory fibroid, gastrointestinal. Identifiers: MedGen C5193005, MONDO:0008285, OMIM 175510.
Gastrointestinal stromal tumor. Also called: Gastrointestinal stromal tumor, somatic; Gastrointestinal stroma tumor. Identifiers: Orphanet 44890, MedGen C0238198, MeSH D046152, MONDO:0011719, OMIM 606764, HP:0100723.
Hereditary cancer-predisposing syndrome. Also called: Tumor predisposition; Neoplastic Syndromes, Hereditary; Hereditary Cancer Syndrome; Hereditary neoplastic syndrome. Identifiers: Orphanet 140162, MedGen C0027672, MeSH D009386, MONDO:0015356.

gnomAD v4.1: 3 of 1,613,158 alleles (0.00019%); highest among the groups gnomAD compares: Non-Finnish European, 0.00025%; no homozygotes.

Submissions (3):

Myriad Genetics, Inc.
Classification: Benign for Polyps, multiple and recurrent inflammatory fibroid, gastrointestinal. Last evaluated: 2026-06-17. Review status: criteria provided, single submitter. Criteria: Myriad Autosomal Dominant, Autosomal Recessive and X-Linked Classification Criteria (2023). Collection method: clinical testing. Allele origin: unknown.
Comment: This variant is considered benign. This variant is a silent/synonymous amino acid change and it is not expected to impact splicing.

Ambry Genetics
Classification: Likely benign for Hereditary cancer-predisposing syndrome. Last evaluated: 2025-08-11. Review status: criteria provided, single submitter. Criteria: Ambry Variant Classification Scheme 2023. Collection method: clinical testing. Allele origin: germline.

Labcorp Genetics (formerly Invitae), Labcorp
Classification: Likely benign for Gastrointestinal stromal tumor. Last evaluated: 2024-02-07. Review status: criteria provided, single submitter. Criteria: Invitae Variant Classification Sherloc (09022015). Collection method: clinical testing. Allele origin: germline.